The following is an entry in ClinVar:

ClinVar aggregate classification (germline): Pathogenic (1 of 4 stars; one submission).

Conditions:
Developmental and epileptic encephalopathy. Identifiers: MedGen C5779964, MONDO:0100620.

Submission:

Labcorp Genetics (formerly Invitae), Labcorp
Classification: Pathogenic for Early infantile epileptic encephalopathy with suppression bursts. Last evaluated: 2019-06-17. Review status: criteria provided, single submitter. Criteria: Invitae Variant Classification Sherloc (09022015). Collection method: clinical testing. Allele origin: germline.
Comment: This sequence change replaces isoleucine with serine at codon 1771 of the SCN1A protein (p.Ile1771Ser). The isoleucine residue is highly conserved and there is a large physicochemical difference between isoleucine and serine. This variant is not present in population databases (ExAC no frequency). Algorithms developed to predict the effect of missense changes on protein structure and function (SIFT, PolyPhen-2, Align-GVGD) all suggest that this variant is likely to be disruptive, but these predictions have not been confirmed by published functional studies and their clinical significance is uncertain. This variant disrupts the p.Ile1771 amino acid residue in SCN1A. Other variants that disrupt this residue have been observed in individuals with SCN1A-related conditions (PMID: 18330841, 18930999), which suggests that this may be a clinically significant amino acid residue. For these reasons, this variant has been classified as Pathogenic.

Literature cited by the submitters: PubMed 18930999; PubMed 18330841.

NM_001165963.4(SCN1A):c.5312T>G (p.Ile1771Ser)

Genes: SCN1A (sodium voltage-gated channel alpha subunit 1; minus strand), LOC102724058 (uncharacterized LOC102724058; plus strand). Cytogenetic location: 2q24.3.
Variant type: single nucleotide variant.
Coding change: c.5312T>G on transcript NM_001165963.4 (MANE Select); coding-DNA position 5312, T replaced by G.
Protein change: p.Ile1771Ser; replaces isoleucine 1771 with serine.
Molecular consequence: missense variant. On other transcripts: non-coding transcript variant (1).
Genome position (GRCh38, 1-based): chr2:165,991,963, A>C on the plus strand (T>G on the coding strand, the complement: SCN1A is on the minus strand). VCF-style: chr2-165991963-A-C. GRCh37 (hg19) VCF-style: chr2-166848473-A-C.
Other names: c.5228T>G, p.Ile1743Ser (NM_001165964.3, NM_001353957.2, NM_001353958.2); c.5312T>G, p.Ile1771Ser (NM_001202435.3, NM_001353948.2); c.5279T>G, p.Ile1760Ser (NM_001353949.2, NM_001353950.2, NM_001353951.2 and 2 more transcripts); c.5276T>G, p.Ile1759Ser (NM_001353954.2, NM_001353955.2); c.5225T>G, p.Ile1742Ser (NM_001353960.2); c.2870T>G, p.Ile957Ser (NM_001353961.2); short protein forms I957S, I1760S, I1742S, I1743S, I1759S, I1771S.
Identifiers: ClinVar variation 852952 (VCV000852952.2), dbSNP rs1253117981, ClinGen allele CA349068188.